The following is an entry in ClinVar:

NM_001174150.2(ARL13B):c.319A>G (p.Thr107Ala)

Gene: ARL13B (ARF like GTPase 13B; plus strand). Cytogenetic location: 3q11.2.
Variant type: single nucleotide variant.
Coding change: c.319A>G on transcript NM_001174150.2 (MANE Select); coding-DNA position 319, A replaced by G.
Protein change: p.Thr107Ala; replaces threonine 107 with alanine.
Molecular consequence: missense variant. On other transcripts: intron variant (1).
Genome position (GRCh38, 1-based): chr3:94,003,847, A>G. VCF-style: chr3-94003847-A-G. GRCh37 (hg19) VCF-style: chr3-93722691-A-G.
Other names: c.10A>G, p.Thr4Ala (NM_001174151.2); c.274A>G, p.Thr92Ala (NM_001321328.2); c.319A>G, p.Thr107Ala (NM_182896.3); c.59+23365A>G (NM_144996.4); c.319A>G (NM_182896.2); short protein forms T4A, T92A, T107A.
Identifiers: ClinVar variation 1427905 (VCV001427905.7), dbSNP rs757443869, ClinGen allele CA2503825.

ClinVar aggregate classification (germline): Uncertain significance. Review status: criteria provided, multiple submitters, no conflicts (2 of 4 stars). 2 submissions from 2 submitters: Uncertain significance (2). Last evaluated 2025-06-25.

Conditions:
Inborn genetic diseases. Identifiers: MedGen C0950123, MeSH D030342.
Joubert syndrome 8 (JBTS8). Identifiers: Orphanet 475, MedGen C2676771, MONDO:0012855, OMIM 612291.

Allele frequency attached by ClinVar (database versions not stated): ExAC 0.00001; gnomAD 0.00002; TOPMed 0.00005.
gnomAD v4.1: 3 of 1,613,618 alleles (0.00019%); highest among the groups gnomAD compares: African/African-American, 0.004%; no homozygotes.

Submissions (2):

Ambry Genetics
Classification: Uncertain significance for Inborn genetic diseases. Last evaluated: 2025-06-25. Review status: criteria provided, single submitter. Criteria: Ambry Variant Classification Scheme 2023. Collection method: clinical testing. Allele origin: germline.

Labcorp Genetics (formerly Invitae), Labcorp
Classification: Uncertain significance for Joubert syndrome 8. Last evaluated: 2022-08-12. Review status: criteria provided, single submitter. Criteria: Invitae Variant Classification Sherloc (09022015). Collection method: clinical testing. Allele origin: germline.
Comment: In summary, the available evidence is currently insufficient to determine the role of this variant in disease. Therefore, it has been classified as a Variant of Uncertain Significance. Algorithms developed to predict the effect of missense changes on protein structure and function are either unavailable or do not agree on the potential impact of this missense change (SIFT: "Deleterious"; PolyPhen-2: "Benign"; Align-GVGD: "Class C0"). ClinVar contains an entry for this variant (Variation ID: 1427905). This variant has not been reported in the literature in individuals affected with ARL13B-related conditions. This variant is present in population databases (rs757443869, gnomAD 0.01%). This sequence change replaces threonine, which is neutral and polar, with alanine, which is neutral and non-polar, at codon 107 of the ARL13B protein (p.Thr107Ala).